The following is an entry in ClinVar:

ClinVar aggregate classification (germline): Uncertain significance. Review status: criteria provided, multiple submitters, no conflicts (2 of 4 stars). 2 submissions from 2 submitters: Uncertain significance (2). Last evaluated 2025-08-07.

Conditions:
Primary ciliary dyskinesia. Also called: Ciliary dyskinesia. Identifiers: Orphanet 244, MedGen C0008780, MONDO:0016575, HP:0012265.

Allele frequency attached by ClinVar (database versions not stated): ExAC 0.00001; gnomAD 0.00002; TOPMed 0.00002.
gnomAD v4.1: 108 of 1,613,338 alleles (0.0067%); highest among the groups gnomAD compares: Non-Finnish European, 0.0089%; no homozygotes.

Submissions (2):

Ambry Genetics
Classification: Uncertain significance for Primary ciliary dyskinesia. Last evaluated: 2025-08-07. Review status: criteria provided, single submitter. Criteria: Ambry Variant Classification Scheme 2023. Collection method: clinical testing. Allele origin: germline.

Labcorp Genetics (formerly Invitae), Labcorp
Classification: Uncertain significance for Primary ciliary dyskinesia. Last evaluated: 2022-04-24. Review status: criteria provided, single submitter. Criteria: Invitae Variant Classification Sherloc (09022015). Collection method: clinical testing. Allele origin: germline.
Comment: This sequence change replaces arginine, which is basic and polar, with serine, which is neutral and polar, at codon 1970 of the DNAH11 protein (p.Arg1970Ser). This variant is present in population databases (rs773165066, gnomAD 0.005%). This variant has not been reported in the literature in individuals affected with DNAH11-related conditions. Advanced modeling of protein sequence and biophysical properties (such as structural, functional, and spatial information, amino acid conservation, physicochemical variation, residue mobility, and thermodynamic stability) performed at Invitae indicates that this missense variant is not expected to disrupt DNAH11 protein function. In summary, the available evidence is currently insufficient to determine the role of this variant in disease. Therefore, it has been classified as a Variant of Uncertain Significance.

NM_001277115.2(DNAH11):c.5910A>C (p.Arg1970Ser)

Gene: DNAH11 (dynein axonemal heavy chain 11; plus strand). Cytogenetic location: 7p15.3.
Variant type: single nucleotide variant.
Coding change: c.5910A>C on transcript NM_001277115.2 (MANE Select); coding-DNA position 5910, A replaced by C.
Protein change: p.Arg1970Ser; replaces arginine 1970 with serine.
Molecular consequence: missense variant.
Genome position (GRCh38, 1-based): chr7:21,687,513, A>C. VCF-style: chr7-21687513-A-C. GRCh37 (hg19) VCF-style: chr7-21727131-A-C.
Other names: c.5910A>C (NM_001277115.1); c.5931A>C, p.Arg1977Ser (NM_003777.3); short protein forms R1970S, R1977S.
Identifiers: ClinVar variation 2045213 (VCV002045213.2), dbSNP rs773165066, ClinGen allele CA4180589.